The following is an entry in ClinVar:

NM_005359.6(SMAD4):c.-401C>T

Gene: SMAD4 (SMAD family member 4; plus strand). Cytogenetic location: 18q21.2.
Variant type: single nucleotide variant.
Coding change: c.-401C>T on transcript NM_005359.6 (MANE Select); 401 bases upstream of the start codon, C replaced by T.
Molecular consequence: 5 prime UTR variant.
Genome position (GRCh38, 1-based): chr18:51,030,350, C>T. VCF-style: chr18-51030350-C-T. GRCh37 (hg19) VCF-style: chr18-48556720-C-T.
Identifiers: ClinVar variation 889978 (VCV000889978.4), dbSNP rs555375675, ClinGen allele CA300075161.

ClinVar aggregate classification (germline): Benign/Likely benign. Review status: criteria provided, single submitter (1 of 4 stars). 3 submissions from 1 submitter: Benign (2); Likely benign (1). Last evaluated 2018-01-13.

Conditions:
Myhre syndrome (MYHRS). Also called: LARYNGOTRACHEAL STENOSIS, ARTHROPATHY, PROGNATHISM, AND SHORT STATURE; LAPS SYNDROME. Identifiers: Orphanet 2588, MedGen C0796081, MONDO:0007688, OMIM 139210.
Generalized juvenile polyposis/juvenile polyposis coli. Also called: Juvenile polyposis coli. Identifiers: Orphanet 329971, MedGen C1868081, MONDO:0008276.
Juvenile polyposis/hereditary hemorrhagic telangiectasia syndrome (JPHT). Also called: POLYPOSIS, GENERALIZED JUVENILE, WITH PULMONARY ARTERIOVENOUS MALFORMATION; TELANGIECTASIA, HEREDITARY HEMORRHAGIC, WITH JUVENILE POLYPOSIS COLI; Juvenile Polyposis Syndrome / Hereditary Hemorrhagic Telangiectasia (JPS/HHT); JP/HHT SYNDROME; JUVENILE POLYPOSIS WITH HEREDITARY HEMORRHAGIC TELANGIECTASIA. Identifiers: Orphanet 2929, MedGen C1832942, MONDO:0008278, OMIM 175050.

Allele frequency attached by ClinVar (database versions not stated): gnomAD 0.00004 and 0.00013; TOPMed 0.00006; 1000 Genomes Project 0.00060; 1000 Genomes Project 30x 0.00078.

Submissions (3):

Illumina Laboratory Services, Illumina
Classification: Likely benign for Juvenile polyposis/hereditary hemorrhagic telangiectasia syndrome. Last evaluated: 2018-01-13. Review status: criteria provided, single submitter. Criteria: ICSL Variant Classification Criteria 13 December 2019. Collection method: clinical testing. Allele origin: germline.
Comment: This variant was observed in the ICSL laboratory as part of a predisposition screen in an ostensibly healthy population. It had not been previously curated by ICSL or reported in the Human Gene Mutation Database (HGMD: prior to June 1st, 2018), and was therefore a candidate for classification through an automated scoring system. Utilizing variant allele frequency, disease prevalence and penetrance estimates, and inheritance mode, an automated score was calculated to assess if this variant is too frequent to cause the disease. Based on the score and internal cut-off values, a variant classified as likely benign is not then subjected to further curation. The score for this variant resulted in a classification of likely benign for this disease.

Illumina Laboratory Services, Illumina
Classification: Benign for Myhre syndrome. Last evaluated: 2018-01-13. Review status: criteria provided, single submitter. Criteria: ICSL Variant Classification Criteria 13 December 2019. Collection method: clinical testing. Allele origin: germline.
Comment: This variant was observed in the ICSL laboratory as part of a predisposition screen in an ostensibly healthy population. It had not been previously curated by ICSL or reported in the Human Gene Mutation Database (HGMD: prior to June 1st, 2018), and was therefore a candidate for classification through an automated scoring system. Utilizing variant allele frequency, disease prevalence and penetrance estimates, and inheritance mode, an automated score was calculated to assess if this variant is too frequent to cause the disease. Based on the score and internal cut-off values, a variant classified as benign is not then subjected to further curation. The score for this variant resulted in a classification of benign for this disease.

Illumina Laboratory Services, Illumina
Classification: Benign for Juvenile polyposis syndrome. Last evaluated: 2018-01-13. Review status: criteria provided, single submitter. Criteria: ICSL Variant Classification Criteria 13 December 2019. Collection method: clinical testing. Allele origin: germline.
Comment: the same text as in the submission from Illumina Laboratory Services, Illumina above.